The following is an entry in ClinVar:

ClinVar aggregate classification (germline): Uncertain significance (1 of 4 stars; one submission).

Allele frequency attached by ClinVar (database versions not stated): gnomAD 0.00001; TOPMed 0.00001; ExAC 0.00002; gnomAD exomes 0.00002 and 0.00003.
gnomAD v4.1: 35 of 1,614,034 alleles (0.0022%); highest among the groups gnomAD compares: Middle Eastern, 0.016%; no homozygotes.

Submission:

Labcorp Genetics (formerly Invitae), Labcorp
Classification: Uncertain significance. Last evaluated: 2022-06-20. Review status: criteria provided, single submitter. Criteria: Invitae Variant Classification Sherloc (09022015). Collection method: clinical testing. Allele origin: germline.
Comment: This sequence change replaces threonine, which is neutral and polar, with serine, which is neutral and polar, at codon 199 of the TYRP1 protein (p.Thr199Ser). This variant is present in population databases (rs777254884, gnomAD 0.005%). This variant has not been reported in the literature in individuals affected with TYRP1-related conditions. Algorithms developed to predict the effect of missense changes on protein structure and function are either unavailable or do not agree on the potential impact of this missense change (SIFT: "Tolerated"; PolyPhen-2: "Probably Damaging"; Align-GVGD: "Class C0"). In summary, the available evidence is currently insufficient to determine the role of this variant in disease. Therefore, it has been classified as a Variant of Uncertain Significance.

NM_000550.3(TYRP1):c.596C>G (p.Thr199Ser)

Gene: TYRP1 (tyrosinase related protein 1; plus strand). Cytogenetic location: 9p23.
Variant type: single nucleotide variant.
Coding change: c.596C>G on transcript NM_000550.3 (MANE Select); coding-DNA position 596, C replaced by G.
Protein change: p.Thr199Ser; replaces threonine 199 with serine.
Molecular consequence: missense variant.
Genome position (GRCh38, 1-based): chr9:12,695,725, C>G. VCF-style: chr9-12695725-C-G. GRCh37 (hg19) VCF-style: chr9-12695725-C-G.
Other names: short protein forms T199S.
Identifiers: ClinVar variation 1475733 (VCV001475733.3), dbSNP rs777254884, ClinGen allele CA4985261.